The following is an entry in ClinVar:

NM_000256.3(MYBPC3):c.3330+3G>T

Gene: MYBPC3 (myosin binding protein C3; minus strand). Cytogenetic location: 11p11.2.
Variant type: single nucleotide variant.
Coding change: c.3330+3G>T on transcript NM_000256.3 (MANE Select); 3 bases into the intron after coding-DNA position 3330, G replaced by T.
Molecular consequence: intron variant.
Genome position (GRCh38, 1-based): chr11:47,333,191, C>A on the plus strand (G>T on the coding strand, the complement: MYBPC3 is on the minus strand). VCF-style: chr11-47333191-C-A. GRCh37 (hg19) VCF-style: chr11-47354742-C-A.
Identifiers: ClinVar variation 859166 (VCV000859166.7), dbSNP rs2095878915, ClinGen allele CA916081636.

ClinVar aggregate classification (germline): Uncertain significance (1 of 4 stars; one submission).

Conditions:
Hypertrophic cardiomyopathy. Also called: HYPERTROPHIC MYOCARDIOPATHY. Identifiers: Orphanet 217569, MedGen C0007194, MeSH D002312, MONDO:0005045, HP:0001639.

Submission:

Labcorp Genetics (formerly Invitae), Labcorp
Classification: Uncertain significance for Hypertrophic cardiomyopathy. Last evaluated: 2019-01-27. Review status: criteria provided, single submitter. Criteria: Invitae Variant Classification Sherloc (09022015). Collection method: clinical testing. Allele origin: germline.
Comment: In summary, the available evidence is currently insufficient to determine the role of this variant in disease. Therefore, it has been classified as a Variant of Uncertain Significance. Nucleotide substitutions within the consensus splice site are a relatively common cause of aberrant splicing (PMID: 17576681, 9536098). Algorithms developed to predict the effect of sequence changes on RNA splicing suggest that this variant may disrupt the consensus splice site, but this prediction has not been confirmed by published transcriptional studies. This variant has not been reported in the literature in individuals with MYBPC3-related conditions. This variant is not present in population databases (ExAC no frequency). This sequence change falls in intron 30 of the MYBPC3 gene. It does not directly change the encoded amino acid sequence of the MYBPC3 protein, but it affects a nucleotide within the consensus splice site of the intron.

Literature cited by the submitters: PubMed 17576681; PubMed 9536098.